The following is an entry in ClinVar:

NM_001291303.3(FAT4):c.5191C>G (p.Gln1731Glu)

Gene: FAT4 (FAT atypical cadherin 4; plus strand). Cytogenetic location: 4q28.1.
Variant type: single nucleotide variant.
Coding change: c.5191C>G on transcript NM_001291303.3 (MANE Select); coding-DNA position 5191, C replaced by G.
Protein change: p.Gln1731Glu; replaces glutamine 1731 with glutamic acid.
Molecular consequence: missense variant.
Genome position (GRCh38, 1-based): chr4:125,398,799, C>G. VCF-style: chr4-125398799-C-G. GRCh37 (hg19) VCF-style: chr4-126319954-C-G.
Other names: c.5191C>G, p.Gln1731Glu (NM_001291285.3, NM_024582.6); c.5191C>G (NM_024582.5); short protein forms Q1731E.
Identifiers: ClinVar variation 1393819 (VCV001393819.6), dbSNP rs367948625, ClinGen allele CA3072636.

ClinVar aggregate classification (germline): Uncertain significance. Review status: criteria provided, multiple submitters, no conflicts (2 of 4 stars). 3 submissions from 3 submitters: Uncertain significance (3). Last evaluated 2024-05-28.

Conditions:
Van Maldergem syndrome 2 (VMLDS2). Identifiers: Orphanet 314679, MedGen C3809875, MONDO:0014242, OMIM 615546.
Hennekam lymphangiectasia-lymphedema syndrome 2 (HKLLS2). Identifiers: Orphanet 2136, MedGen C4014939, MONDO:0014454, OMIM 616006.

Allele frequency attached by ClinVar (database versions not stated): gnomAD 0.00001; gnomAD exomes 0.00001 and 0.00002; TOPMed 0.00001; ExAC 0.00002; ESP Exome Variant Server 0.00008.
gnomAD v4.1: 12 of 1,612,910 alleles (0.00074%); highest among the groups gnomAD compares: Middle Eastern, 0.082%; no homozygotes.

Submissions (3):

Fulgent Genetics
Classification: Uncertain significance for Van Maldergem syndrome 2; Hennekam lymphangiectasia-lymphedema syndrome 2. Last evaluated: 2024-05-28. Review status: criteria provided, single submitter. Criteria: ACMG Guidelines, 2015. Collection method: clinical testing. Allele origin: germline.

Labcorp Genetics (formerly Invitae), Labcorp
Classification: Uncertain significance. Last evaluated: 2022-08-16. Review status: criteria provided, single submitter. Criteria: Invitae Variant Classification Sherloc (09022015). Collection method: clinical testing. Allele origin: germline.
Comment: This sequence change replaces glutamine, which is neutral and polar, with glutamic acid, which is acidic and polar, at codon 1731 of the FAT4 protein (p.Gln1731Glu). This variant is present in population databases (rs367948625, gnomAD 0.004%). This variant has not been reported in the literature in individuals affected with FAT4-related conditions. ClinVar contains an entry for this variant (Variation ID: 1393819). Advanced modeling of protein sequence and biophysical properties (such as structural, functional, and spatial information, amino acid conservation, physicochemical variation, residue mobility, and thermodynamic stability) performed at Invitae indicates that this missense variant is not expected to disrupt FAT4 protein function. In summary, the available evidence is currently insufficient to determine the role of this variant in disease. Therefore, it has been classified as a Variant of Uncertain Significance.

Breakthrough Genomics
Classification: Uncertain significance. Review status: criteria provided, single submitter. Criteria: ACMG Guidelines, 2015. Collection method: not provided. Allele origin: germline. Inheritance: Autosomal recessive inheritance. Affected: yes.